The following is an entry in ClinVar:

NM_000090.4(COL3A1):c.690+3A>G

Gene: COL3A1 (collagen type III alpha 1 chain; plus strand). Cytogenetic location: 2q32.2.
Variant type: single nucleotide variant.
Coding change: c.690+3A>G on transcript NM_000090.4 (MANE Select); 3 bases into the intron after coding-DNA position 690, A replaced by G.
Molecular consequence: intron variant.
Genome position (GRCh38, 1-based): chr2:188,989,452, A>G. VCF-style: chr2-188989452-A-G. GRCh37 (hg19) VCF-style: chr2-189854178-A-G.
Identifiers: ClinVar variation 506578 (VCV000506578.6), dbSNP rs1447080385, ClinGen allele CA538441067.

ClinVar aggregate classification (germline): Conflicting classifications of pathogenicity. Review status: criteria provided, conflicting classifications (1 of 4 stars). 3 submissions from 3 submitters: Uncertain significance (1); Likely benign (2). Last evaluated 2025-01-19.

Conditions:
Ehlers-Danlos syndrome, type 4 (EDSVASC). Also called: Ehlers-Danlos syndrome vascular type; Ehlers Danlos syndrome, ecchymotic type; Ehlers Danlos syndrome, arterial type; Ehlers Danlos syndrome, Sack-Barabas type; Ehlers-Danlos Syndrome Type IV. Identifiers: Orphanet 286, MedGen C0268338, MONDO:0017314, OMIM 130050.

Allele frequency attached by ClinVar (database versions not stated): gnomAD exomes below 0.00001; gnomAD 0.00001; TOPMed 0.00001.
gnomAD v4.1: 6 of 1,604,718 alleles (0.00037%); highest among the groups gnomAD compares: African/African-American, 0.0067%; no homozygotes.

Submissions (3):

Labcorp Genetics (formerly Invitae), Labcorp
Classification: Uncertain significance for Ehlers-Danlos syndrome, type 4. Last evaluated: 2025-01-19. Review status: criteria provided, single submitter. Criteria: Invitae Variant Classification Sherloc (09022015). Collection method: clinical testing. Allele origin: germline.
Comment: This sequence change falls in intron 8 of the COL3A1 gene. It does not directly change the encoded amino acid sequence of the COL3A1 protein. It affects a nucleotide within the consensus splice site. This variant is not present in population databases (gnomAD no frequency). This variant has not been reported in the literature in individuals affected with COL3A1-related conditions. ClinVar contains an entry for this variant (Variation ID: 506578). Variants that disrupt the consensus splice site are a relatively common cause of aberrant splicing (PMID: 17576681, 9536098). Algorithms developed to predict the effect of sequence changes on RNA splicing suggest that this variant is not likely to affect RNA splicing. In summary, the available evidence is currently insufficient to determine the role of this variant in disease. Therefore, it has been classified as a Variant of Uncertain Significance.

Blueprint Genetics
Classification: Likely benign. Last evaluated: 2020-11-06. Review status: criteria provided, single submitter. Criteria: ACMG Guidelines, 2015. Collection method: clinical testing. Allele origin: germline.

GeneDx
Classification: Likely benign. Last evaluated: 2018-01-23. Review status: criteria provided, single submitter. Criteria: GeneDx Variant Classification (06012015). Collection method: clinical testing. Allele origin: germline. Affected: yes.
Comment: This variant is considered likely benign or benign based on one or more of the following criteria: it is a conservative change, it occurs at a poorly conserved position in the protein, it is predicted to be benign by multiple in silico algorithms, and/or has population frequency not consistent with disease.

Literature cited by the submitters: PubMed 17576681 (cited by Labcorp Genetics (formerly Invitae), Labcorp); PubMed 9536098 (cited by Labcorp Genetics (formerly Invitae), Labcorp).